The following is an entry in ClinVar:

NM_003803.4(MYOM1):c.3000C>G (p.Asn1000Lys)

Gene: MYOM1 (myomesin 1; minus strand). Cytogenetic location: 18p11.31.
Variant type: single nucleotide variant.
Coding change: c.3000C>G on transcript NM_003803.4 (MANE Select); coding-DNA position 3000, C replaced by G.
Protein change: p.Asn1000Lys; replaces asparagine 1000 with lysine.
Molecular consequence: missense variant.
Genome position (GRCh38, 1-based): chr18:3,119,987, G>C on the plus strand (C>G on the coding strand, the complement: MYOM1 is on the minus strand). VCF-style: chr18-3119987-G-C. GRCh37 (hg19) VCF-style: chr18-3119985-G-C.
Other names: c.2712C>G, p.Asn904Lys (NM_019856.2); short protein forms N1000K, N904K.
Identifiers: ClinVar variation 2814386 (VCV002814386.3), dbSNP rs1281957758, ClinGen allele CA401707649.

ClinVar aggregate classification (germline): Uncertain significance (1 of 4 stars; one submission).

Conditions:
Hypertrophic cardiomyopathy. Also called: HYPERTROPHIC MYOCARDIOPATHY. Identifiers: Orphanet 217569, MedGen C0007194, MeSH D002312, MONDO:0005045, HP:0001639.

Allele frequency attached by ClinVar (database versions not stated): gnomAD exomes below 0.00001; TOPMed 0.00001.
gnomAD v4.1: 2 of 1,598,220 alleles (0.00013%); highest among the groups gnomAD compares: Non-Finnish European, 0.00017%; no homozygotes.

Submission:

Labcorp Genetics (formerly Invitae), Labcorp
Classification: Uncertain significance for Hypertrophic cardiomyopathy. Last evaluated: 2022-11-15. Review status: criteria provided, single submitter. Criteria: Invitae Variant Classification Sherloc (09022015). Collection method: clinical testing. Allele origin: germline.
Comment: In summary, the available evidence is currently insufficient to determine the role of this variant in disease. Therefore, it has been classified as a Variant of Uncertain Significance. Advanced modeling of protein sequence and biophysical properties (such as structural, functional, and spatial information, amino acid conservation, physicochemical variation, residue mobility, and thermodynamic stability) performed at Invitae indicates that this missense variant is not expected to disrupt MYOM1 protein function. This sequence change replaces asparagine, which is neutral and polar, with lysine, which is basic and polar, at codon 1000 of the MYOM1 protein (p.Asn1000Lys). This variant is not present in population databases (gnomAD no frequency). This variant has not been reported in the literature in individuals affected with MYOM1-related conditions.